The following is an entry in ClinVar:

NM_016006.6(ABHD5):c.730dup (p.Thr244fs)

Gene: ABHD5 (abhydrolase domain containing 5, lysophosphatidic acid acyltransferase; plus strand). Cytogenetic location: 3p21.33.
Variant type: Duplication.
Coding change: c.730dup on transcript NM_016006.6 (MANE Select); coding-DNA position 730, one base duplicated (A; older notation c.730dupA).
Protein change: p.Thr244fs; shifts the reading frame from threonine 244.
Molecular consequence: frameshift variant.
Genome position (GRCh38, 1-based): chr3:43,715,015, A duplicated. VCF-style (leftmost placement, unchanged base first): chr3-43715014-T-TA. GRCh37 (hg19) VCF-style: chr3-43756506-T-TA.
Other names: c.730dup, p.Thr244fs (NM_001355186.2, NM_001365650.1); c.607dup, p.Thr203fs (NM_001365649.1); c.730dup (NM_016006.4); short protein forms T203fs, T244fs.
Identifiers: ClinVar variation 872540 (VCV000872540.43), dbSNP rs754573124, ClinGen allele CA2341425.

ClinVar aggregate classification (germline): Pathogenic/Likely pathogenic. Review status: criteria provided, multiple submitters, no conflicts (2 of 4 stars). 3 submissions from 3 submitters: Pathogenic (2); Likely pathogenic (1). Last evaluated 2026-04-26.

Conditions:
Triglyceride storage disease with ichthyosis (CDS). Also called: Dorfman-Chanarin disease; Chanarin-Dorfman Syndrome; TRIGLYCERIDE STORAGE DISEASE WITH IMPAIRED LONG-CHAIN FATTY ACID OXIDATION; ICHTHYOSIFORM ERYTHRODERMA WITH LEUKOCYTE VACUOLATION. Identifiers: Orphanet 98907, MedGen C0268238, MONDO:0010155, OMIM 275630.

Allele frequency attached by ClinVar (database versions not stated): gnomAD 0.00001; gnomAD exomes 0.00002 and 0.00003; ExAC 0.00003.

Submissions (3):

GeneDx
Classification: Pathogenic. Last evaluated: 2026-04-26. Review status: criteria provided, single submitter. Criteria: GeneDx Variant Classification Process June 2021. Collection method: clinical testing. Allele origin: germline.
Comment: Frameshift variant predicted to result in protein truncation or nonsense mediated decay in a gene for which loss of function is a known mechanism of disease; This variant is associated with the following publications: (PMID: 32533806, 33083013)

CeGaT Center for Human Genetics Tuebingen
Classification: Pathogenic. Last evaluated: 2018-05-01. Review status: criteria provided, single submitter. Criteria: CeGaT Center For Human Genetics Tuebingen Variant Classification Criteria Version 2. Collection method: clinical testing. Allele origin: germline. Affected: yes. Observed: 1 variant allele.

CENTOGENE GmbH and LLC - Guiding Precision Medicine
Classification: Likely pathogenic for Chanarin-Dorfman syndrome. Review status: criteria provided, single submitter. Criteria: ACMG Guidelines, 2015. Collection method: clinical testing. Allele origin: germline. Affected: yes.